The following is an entry in ClinVar:

ClinVar aggregate classification (germline): Uncertain significance. Review status: criteria provided, multiple submitters, no conflicts (2 of 4 stars). 3 submissions from 3 submitters: Uncertain significance (2). 1 of the submissions does not count toward it. Last evaluated 2021-07-15.

Conditions:
Peutz-Jeghers syndrome (PJS). Also called: POLYPOSIS, HAMARTOMATOUS INTESTINAL; POLYPS-AND-SPOTS SYNDROME; Peutz-Jeghers polyposis; Periorificial lentiginosis syndrome. Identifiers: Orphanet 2869, MedGen C0031269, MeSH D010580, MONDO:0008280, OMIM 175200.

Allele frequency attached by ClinVar (database versions not stated): gnomAD exomes below 0.00001.

Submissions (3):

Genome-Nilou Lab
Classification: Uncertain significance for Peutz-Jeghers syndrome. Last evaluated: 2021-07-15. Review status: criteria provided, single submitter. Criteria: ACMG Guidelines, 2015. Collection method: clinical testing. Allele origin: germline. Affected: no.

Labcorp Genetics (formerly Invitae), Labcorp
Classification: Uncertain significance for Peutz-Jeghers syndrome. Last evaluated: 2019-05-15. Review status: criteria provided, single submitter. Criteria: Invitae Variant Classification Sherloc (09022015). Collection method: clinical testing. Allele origin: germline.
Comment: This sequence change replaces aspartic acid with glycine at codon 327 of the STK11 protein (p.Asp327Gly). The aspartic acid residue is moderately conserved and there is a moderate physicochemical difference between aspartic acid and glycine. This variant is not present in population databases (ExAC no frequency). In summary, the available evidence is currently insufficient to determine the role of this variant in disease. Therefore, it has been classified as a Variant of Uncertain Significance. Algorithms developed to predict the effect of missense changes on protein structure and function (SIFT, PolyPhen-2, Align-GVGD) all suggest that this variant is likely to be tolerated, but these predictions have not been confirmed by published functional studies and their clinical significance is uncertain. This variant has not been reported in the literature in individuals with STK11-related conditions. ClinVar contains an entry for this variant (Variation ID: 220714).

Counsyl
Classification: Uncertain significance for Peutz-Jeghers syndrome. Last evaluated: 2016-10-18. Review status: no assertion criteria provided. Collection method: clinical testing. Allele origin: unknown. Not counted in ClinVar's aggregate classification.

NM_000455.5(STK11):c.980A>G (p.Asp327Gly)

Gene: STK11 (serine/threonine kinase 11; plus strand). Cytogenetic location: 19p13.3.
Variant type: single nucleotide variant.
Coding change: c.980A>G on transcript NM_000455.5 (MANE Select); coding-DNA position 980, A replaced by G.
Protein change: p.Asp327Gly; replaces aspartic acid 327 with glycine.
Molecular consequence: missense variant.
Genome position (GRCh38, 1-based): chr19:1,223,044, A>G. VCF-style: chr19-1223044-A-G. GRCh37 (hg19) VCF-style: chr19-1223043-A-G.
Other names: short protein forms D327G.
Identifiers: ClinVar variation 220714 (VCV000220714.14), dbSNP rs864622638, ClinGen allele CA348572.
Genomic context (GRCh38, chr19:1,223,044, plus strand): 5'-GCTGGTTCCGGAAGAAACATCCTCCGGCTGAAGCACCAGTGCCCATCCCACCGAGCCCAG[A>G]CACCAAGGACCGGTGGCGCAGCATGACTGTGGTGCCGTACTTGGAGGACCTGCACGGCGC-3'
Protein context (NP_000446.1, residues 317-337): EAPVPIPPSP[Asp327Gly]TKDRWRSMTV